The following is an entry in ClinVar:

NM_001042492.3(NF1):c.2752A>T (p.Lys918Ter)

Gene: NF1 (neurofibromin 1; plus strand). Cytogenetic location: 17q11.2.
Variant type: single nucleotide variant.
Coding change: c.2752A>T on transcript NM_001042492.3 (MANE Select); coding-DNA position 2752, A replaced by T.
Protein change: p.Lys918Ter; replaces lysine 918 with a stop codon.
Molecular consequence: nonsense.
Genome position (GRCh38, 1-based): chr17:31,229,367, A>T. VCF-style: chr17-31229367-A-T. GRCh37 (hg19) VCF-style: chr17-29556385-A-T.
Other names: c.2752A>T, p.Lys918Ter (NM_000267.4); short protein forms K918*.
Identifiers: ClinVar variation 1711172 (VCV001711172.5), dbSNP rs2151429583, ClinGen allele CA398985367.

ClinVar aggregate classification (germline): Pathogenic. Review status: criteria provided, multiple submitters, no conflicts (2 of 4 stars). 3 submissions from 3 submitters: Pathogenic (2). 1 of the submissions does not count toward it. Last evaluated 2025-03-05.

Conditions:
Cardiovascular phenotype. Identifiers: MedGen CN230736.
Hereditary cancer-predisposing syndrome. Also called: Hereditary neoplastic syndrome; Tumor predisposition; Neoplastic Syndromes, Hereditary; Hereditary Cancer Syndrome. Identifiers: Orphanet 140162, MedGen C0027672, MeSH D009386, MONDO:0015356.
Neurofibromatosis, type 1 (NF1). Also called: Peripheral type neurofibromatosis; VON RECKLINGHAUSEN DISEASE; NEUROFIBROMATOSIS, TYPE I, SOMATIC; Neurofibromatosis, type I. Identifiers: Orphanet 636, MedGen C0027831, MONDO:0018975, OMIM 162200. Disease mechanism: loss of function.

Submissions (3):

Ambry Genetics
Classification: Pathogenic for Cardiovascular phenotype; Hereditary cancer-predisposing syndrome. Last evaluated: 2025-03-05. Review status: criteria provided, single submitter. Criteria: Ambry Variant Classification Scheme 2023. Collection method: clinical testing. Allele origin: germline.
Comment: The p.K918* pathogenic mutation (also known as c.2752A>T), located in coding exon 21 of the NF1 gene, results from an A to T substitution at nucleotide position 2752. This changes the amino acid from a lysine to a stop codon within coding exon 21. This mutation was identified in an individual meeting diagnostic criteria for neurofibromatosis type 1 (NF1) (Valero MC et al. J Mol Diagn, 2011 Mar;13:113-22). This variant is considered to be rare based on population cohorts in the Genome Aggregation Database (gnomAD). This alteration is expected to result in loss of function by premature protein truncation or nonsense-mediated mRNA decay. As such, this alteration is interpreted as a disease-causing mutation.

Labcorp Genetics (formerly Invitae), Labcorp
Classification: Pathogenic for Neurofibromatosis, type 1. Last evaluated: 2023-05-05. Review status: criteria provided, single submitter. Criteria: Invitae Variant Classification Sherloc (09022015). Collection method: clinical testing. Allele origin: germline.
Comment: For these reasons, this variant has been classified as Pathogenic. ClinVar contains an entry for this variant (Variation ID: 1711172). This variant has not been reported in the literature in individuals affected with NF1-related conditions. This variant is not present in population databases (gnomAD no frequency). This sequence change creates a premature translational stop signal (p.Lys918*) in the NF1 gene. It is expected to result in an absent or disrupted protein product. Loss-of-function variants in NF1 are known to be pathogenic (PMID: 10712197, 23913538).

Prenatal Diagnosis Center, Inner Mongolia Medical University
Classification: Pathogenic for Neurofibromatosis, type 1. Last evaluated: 2022-08-12. Review status: no assertion criteria provided. Collection method: clinical testing. Allele origin: paternal. Affected: yes. Observed: 2 variant alleles. Not counted in ClinVar's aggregate classification.

Literature cited by the submitters: PubMed 21354044 (cited by Ambry Genetics); PubMed 38924432 (cited by Ambry Genetics); PubMed 10712197 (cited by Labcorp Genetics (formerly Invitae), Labcorp); PubMed 23913538 (cited by Labcorp Genetics (formerly Invitae), Labcorp).